The following is an entry in ClinVar:

NM_015102.5(NPHP4):c.2735G>A (p.Arg912His)

Gene: NPHP4 (nephrocystin 4; minus strand). Cytogenetic location: 1p36.31.
Variant type: single nucleotide variant.
Coding change: c.2735G>A on transcript NM_015102.5 (MANE Select); coding-DNA position 2735, G replaced by A.
Protein change: p.Arg912His; replaces arginine 912 with histidine.
Molecular consequence: missense variant. On other transcripts: non-coding transcript variant (1).
Genome position (GRCh38, 1-based): chr1:5,877,175, C>T on the plus strand (G>A on the coding strand, the complement: NPHP4 is on the minus strand). VCF-style: chr1-5877175-C-T. GRCh37 (hg19) VCF-style: chr1-5937235-C-T.
Other names: c.1196G>A, p.Arg399His (NM_001291593.2); c.1199G>A, p.Arg400His (NM_001291594.2); short protein forms R399H, R400H, R912H.
Identifiers: ClinVar variation 1414048 (VCV001414048.6), dbSNP rs778343959, ClinGen allele CA553952.
Genomic context (GRCh38, chr1:5,877,175, plus strand): 5'-CCCAAGTCTCCCCCGGCCTCCTGCAGGCGCACAGACCTCATCCGCTCCAGCTTACGCCTG[C>T]GGGTGGCATCCGACTCGCGGCTGACGTCCTGGGGCCCCTTGCCCTGCCGGGCATGGGTCA-3'
Protein context (NP_055917.1, residues 902-922): QDVSRESDAT[Arg912His]RRKLERMRSV

ClinVar aggregate classification (germline): Uncertain significance (1 of 4 stars; one submission).

Conditions:
Nephronophthisis. Also called: Juvenile Nephronophthisis. Identifiers: Orphanet 655, MedGen C0687120, MONDO:0019005, HP:0000090.

Allele frequency attached by ClinVar (database versions not stated): TOPMed below 0.00001; gnomAD exomes 0.00001; ExAC 0.00002.
gnomAD v4.1: 17 of 1,605,426 alleles (0.0011%); highest among the groups gnomAD compares: Middle Eastern, 0.017%; no homozygotes.

Submission:

Labcorp Genetics (formerly Invitae), Labcorp
Classification: Uncertain significance for Nephronophthisis. Last evaluated: 2021-10-20. Review status: criteria provided, single submitter. Criteria: Invitae Variant Classification Sherloc (09022015). Collection method: clinical testing. Allele origin: germline.
Comment: In summary, the available evidence is currently insufficient to determine the role of this variant in disease. Therefore, it has been classified as a Variant of Uncertain Significance. Algorithms developed to predict the effect of missense changes on protein structure and function output the following: SIFT: "Tolerated"; PolyPhen-2: "Benign"; Align-GVGD: "Class C0". The histidine amino acid residue is found in multiple mammalian species, which suggests that this missense change does not adversely affect protein function. This variant has not been reported in the literature in individuals affected with NPHP4-related conditions. This variant is present in population databases (rs778343959, ExAC 0.004%). This sequence change replaces arginine with histidine at codon 912 of the NPHP4 protein (p.Arg912His). The arginine residue is weakly conserved and there is a small physicochemical difference between arginine and histidine.